The following is an entry in ClinVar:

NM_144498.4(OSBPL2):c.1325C>T (p.Ala442Val)

Gene: OSBPL2 (oxysterol binding protein like 2; plus strand). Cytogenetic location: 20q13.33.
Variant type: single nucleotide variant.
Coding change: c.1325C>T on transcript NM_144498.4 (MANE Select); coding-DNA position 1325, C replaced by T.
Protein change: p.Ala442Val; replaces alanine 442 with valine.
Molecular consequence: missense variant. On other transcripts: nonsense (1).
Genome position (GRCh38, 1-based): chr20:62,291,778, C>T. VCF-style: chr20-62291778-C-T. GRCh37 (hg19) VCF-style: chr20-60866834-C-T.
Other names: c.925C>T, p.Gln309Ter (NM_001278649.3); c.1049C>T, p.Ala350Val (NM_001363878.2); c.1289C>T, p.Ala430Val (NM_014835.5); short protein forms A430V, A442V, Q309*, A350V.
Identifiers: ClinVar variation 2877608 (VCV002877608.4), dbSNP rs1285608037, ClinGen allele CA409522552.

ClinVar aggregate classification (germline): Uncertain significance. Review status: criteria provided, multiple submitters, no conflicts (2 of 4 stars). 2 submissions from 2 submitters: Uncertain significance (2). Last evaluated 2026-01-28.

Allele frequency attached by ClinVar (database versions not stated): gnomAD exomes below 0.00001.
gnomAD v4.1: 2 of 1,611,612 alleles (0.00012%); highest among the groups gnomAD compares: Non-Finnish European, 0.000085%; no homozygotes.

Submissions (2):

Dasa
Classification: Uncertain significance. Last evaluated: 2026-01-28. Review status: criteria provided, single submitter. Criteria: DASA Assertion Criteria. Collection method: clinical testing. Allele origin: germline.
Comment: NM_001278649.3(OSBPL2):c.925C>T (p.Gln309*) introduces a premature termination codon predicted to result in loss of normal protein function. Loss-of-function is an established mechanism of disease for this gene. The variant is present at low frequency in population datasets. Based on the available data, this variant is classified as variant of uncertain significance.

Labcorp Genetics (formerly Invitae), Labcorp
Classification: Uncertain significance. Last evaluated: 2024-10-22. Review status: criteria provided, single submitter. Criteria: Invitae Variant Classification Sherloc (09022015). Collection method: clinical testing. Allele origin: germline.
Comment: This sequence change replaces alanine, which is neutral and non-polar, with valine, which is neutral and non-polar, at codon 442 of the OSBPL2 protein (p.Ala442Val). This variant is present in population databases (no rsID available, gnomAD 0.0009%). This variant has not been reported in the literature in individuals affected with OSBPL2-related conditions. An algorithm developed to predict the effect of missense changes on protein structure and function (PolyPhen-2) suggests that this variant is likely to be tolerated. In summary, the available evidence is currently insufficient to determine the role of this variant in disease. Therefore, it has been classified as a Variant of Uncertain Significance.